The following is an entry in ClinVar:

NM_001365088.1(SLC12A6):c.2002C>T (p.Arg668Ter)

Gene: SLC12A6 (solute carrier family 12 member 6; minus strand). Cytogenetic location: 15q14.
Variant type: single nucleotide variant.
Coding change: c.2002C>T on transcript NM_001365088.1 (MANE Select); coding-DNA position 2002, C replaced by T.
Protein change: p.Arg668Ter; replaces arginine 668 with a stop codon.
Molecular consequence: nonsense.
Genome position (GRCh38, 1-based): chr15:34,244,014, G>A on the plus strand (C>T on the coding strand, the complement: SLC12A6 is on the minus strand). VCF-style: chr15-34244014-G-A. GRCh37 (hg19) VCF-style: chr15-34536215-G-A.
Other names: c.1825C>T, p.Arg609Ter (NM_001042494.2, NM_001042495.2); c.1975C>T, p.Arg659Ter (NM_001042496.2); c.1957C>T, p.Arg653Ter (NM_001042497.2); c.1849C>T, p.Arg617Ter (NM_005135.2); c.2002C>T, p.Arg668Ter (NM_133647.2); short protein forms R668*, R659*, R617*, R609*, R653*.
Identifiers: ClinVar variation 1987661 (VCV001987661.8), dbSNP rs1416593064, ClinGen allele CA391620548.

ClinVar aggregate classification (germline): Pathogenic/Likely pathogenic. Review status: criteria provided, multiple submitters, no conflicts (2 of 4 stars). 5 submissions from 5 submitters: Pathogenic (3); Likely pathogenic (2). Last evaluated 2025-05-02.

Conditions:
Agenesis of the corpus callosum with peripheral neuropathy (ACCPN). Also called: CHARLEVOIX DISEASE; HMSN/ACC; POLYNEUROPATHY, SENSORIMOTOR, WITH OR WITHOUT AGENESIS OF THE CORPUS CALLOSUM; Hereditary Motor and Sensory Neuropathy with Agenesis of the Corpus Callosum. Identifiers: Orphanet 1496, MedGen C0795950, MONDO:0000902, OMIM 218000. Disease mechanism: loss of function.
Charcot-Marie-Tooth disease, axonal, IIa 2II. Also called: CHARCOT-MARIE-TOOTH NEUROPATHY, TYPE 2II; Charcot-Marie-Tooth disease, axonal, type 2II; Charcot-marie-tooth disease, axonal,IIa 2II. Identifiers: MedGen C5774227, MONDO:0031068, OMIM 620068.

Allele frequency attached by ClinVar (database versions not stated): TOPMed below 0.00001.
gnomAD v4.1: 7 of 1,609,806 alleles (0.00043%); highest among the groups gnomAD compares: South Asian, 0.0011%; no homozygotes.

Submissions (5):

Women's Health and Genetics/Laboratory Corporation of America, LabCorp
Classification: Pathogenic for Agenesis of the corpus callosum with peripheral neuropathy. Last evaluated: 2025-05-02. Review status: criteria provided, single submitter. Criteria: LabCorp Variant Classification Summary - May 2015. Collection method: clinical testing. Allele origin: germline.
Comment: Variant summary: SLC12A6 c.2002C>T (p.Arg668X) results in a premature termination codon, predicted to cause a truncation of the encoded protein or absence of the protein due to nonsense mediated decay, which are commonly known mechanisms for disease. The variant was absent in 251350 control chromosomes. To our knowledge, no occurrence of c.2002C>T in individuals affected with Agenesis of the corpus callosum with peripheral neuropathy and no experimental evidence demonstrating its impact on protein function have been reported. ClinVar contains an entry for this variant (Variation ID: 1987661). Based on the evidence outlined above, the variant was classified as pathogenic.

Labcorp Genetics (formerly Invitae), Labcorp
Classification: Pathogenic. Last evaluated: 2025-01-08. Review status: criteria provided, single submitter. Criteria: Invitae Variant Classification Sherloc (09022015). Collection method: clinical testing. Allele origin: germline.
Comment: This sequence change creates a premature translational stop signal (p.Arg668*) in the SLC12A6 gene. It is expected to result in an absent or disrupted protein product. Loss-of-function variants in SLC12A6 are known to be pathogenic (PMID: 12368912, 16606917). This variant is not present in population databases (gnomAD no frequency). This variant has not been reported in the literature in individuals affected with SLC12A6-related conditions. ClinVar contains an entry for this variant (Variation ID: 1987661). For these reasons, this variant has been classified as Pathogenic.

3billion
Classification: Pathogenic for Agenesis of the corpus callosum with peripheral neuropathy. Last evaluated: 2024-07-05. Review status: criteria provided, single submitter. Criteria: ACMG Guidelines, 2015. Collection method: clinical testing. Allele origin: germline. Affected: yes.
Comment: The variant is observed at an extremely low frequency in the gnomAD v4.0.0 dataset (total allele frequency: <0.001%). Predicted Consequence/Location: Stop-gained (nonsense): predicted to result in a loss or disruption of normal protein function through nonsense-mediated decay (NMD) or protein truncation. Multiple pathogenic variants are reported downstream of the variant. The variant has been reported at least twice as pathogenic without evidence for the classification (ClinVar ID: VCV001987661). Therefore, this variant is classified as Pathogenic according to the recommendation of ACMG/AMP guideline.

Fulgent Genetics
Classification: Likely pathogenic for Agenesis of the corpus callosum with peripheral neuropathy; Charcot-Marie-Tooth disease, axonal, IIa 2II. Last evaluated: 2024-02-21. Review status: criteria provided, single submitter. Criteria: ACMG Guidelines, 2015. Collection method: clinical testing. Allele origin: germline.

Baylor Genetics
Classification: Likely pathogenic for Agenesis of the corpus callosum with peripheral neuropathy. Last evaluated: 2023-05-09. Review status: criteria provided, single submitter. Criteria: ACMG Guidelines, 2015. Collection method: clinical testing. Allele origin: unknown.

Literature cited by the submitters: PubMed 12368912 (cited by Labcorp Genetics (formerly Invitae), Labcorp); PubMed 16606917 (cited by Labcorp Genetics (formerly Invitae), Labcorp).